The following is an entry in ClinVar:

ClinVar aggregate classification (germline): Uncertain significance. Review status: criteria provided, multiple submitters, no conflicts (2 of 4 stars). 5 submissions from 5 submitters: Uncertain significance (5). Last evaluated 2025-12-08.

Conditions:
Juvenile polyposis syndrome (JPS). Identifiers: Orphanet 2929, MedGen C0345893, MONDO:0017380, OMIM 174900.
Hereditary cancer-predisposing syndrome. Also called: Neoplastic Syndromes, Hereditary; Tumor predisposition; Hereditary neoplastic syndrome; Hereditary Cancer Syndrome. Identifiers: Orphanet 140162, MedGen C0027672, MeSH D009386, MONDO:0015356.
Polyposis syndrome, hereditary mixed, 2. Identifiers: Orphanet 157794, MedGen C1864730, MONDO:0012405, OMIM 610069.

Submissions (5):

Labcorp Genetics (formerly Invitae), Labcorp
Classification: Uncertain significance for Juvenile polyposis syndrome. Last evaluated: 2025-12-08. Review status: criteria provided, single submitter. Criteria: Invitae Variant Classification Sherloc (09022015). Collection method: clinical testing. Allele origin: germline.
Comment: This sequence change falls in intron 11 of the BMPR1A gene. It does not directly change the encoded amino acid sequence of the BMPR1A protein. It affects a nucleotide within the consensus splice site. This variant is not present in population databases (gnomAD no frequency). This variant has not been reported in the literature in individuals affected with BMPR1A-related conditions. ClinVar contains an entry for this variant (Variation ID: 239855). Variants that disrupt the consensus splice site are a relatively common cause of aberrant splicing (PMID: 17576681, 9536098). Algorithms developed to predict the effect of sequence changes on RNA splicing suggest that this variant may disrupt the consensus splice site. In summary, the available evidence is currently insufficient to determine the role of this variant in disease. Therefore, it has been classified as a Variant of Uncertain Significance.

Ambry Genetics
Classification: Uncertain significance for Hereditary cancer-predisposing syndrome. Last evaluated: 2025-01-30. Review status: criteria provided, single submitter. Criteria: Ambry Variant Classification Scheme 2023. Collection method: clinical testing. Allele origin: germline.
Comment: The c.1342+5G>A intronic variant results from a G to A substitution 5 nucleotides after coding exon 9 in the BMPR1A gene. This nucleotide position is highly conserved in available vertebrate species. In silico splice site analysis predicts that this alteration may result in the creation or strengthening of a novel splice donor site; however, direct evidence is insufficient at this time (Ambry internal data). Since supporting evidence is limited at this time, the clinical significance of this alteration remains unclear.

Baylor Genetics
Classification: Uncertain significance for Polyposis syndrome, hereditary mixed, 2. Last evaluated: 2023-12-27. Review status: criteria provided, single submitter. Criteria: ACMG Guidelines, 2015. Collection method: clinical testing. Allele origin: unknown.

Color Diagnostics, LLC DBA Color Health
Classification: Uncertain significance for Hereditary cancer-predisposing syndrome. Last evaluated: 2021-09-14. Review status: criteria provided, single submitter. Criteria: ACMG Guidelines, 2015. Collection method: clinical testing. Allele origin: germline.
Comment: This variant causes a G to A nucleotide substitution at the +5 position of intron 11 of the BMPR1A gene. Splice site prediction tools predict that this variant may have a significant impact on RNA splicing, however this prediction has not been confirmed in published RNA studies. This variant has not been reported in individuals affected with hereditary cancer in the literature. This variant has not been identified in the general population by the Genome Aggregation Database (gnomAD). The available evidence is insufficient to determine the role of this variant in disease conclusively. Therefore, this variant is classified as a Variant of Uncertain Significance.

GeneDx
Classification: Uncertain significance. Last evaluated: 2015-12-28. Review status: criteria provided, single submitter. Criteria: GeneDx Variant Classification (06012015). Collection method: clinical testing. Allele origin: germline. Affected: yes.
Comment: This variant is denoted BMPR1A c.1342+5G>A or IVS11+5G>A and consists of a G>A nucleotide substitution at the +5 position of intron 11 of the BMPR1A gene. Multiple in silico models predict this variant to destroy the nearby natural donor site, and to possibly cause abnormal gene splicing; however, in the absence of RNA or functional studies, the actual effect of this variant is unknown. This variant has not, to our knowledge, been published in the literature as pathogenic or benign. BMPR1A c.1342+5G>A was not observed in approximately 6,500 individuals of European and African American ancestry in the NHLBI Exome Sequencing Project, suggesting it is not a common benign variant in these populations. The guanine (G) nucleotide that is altered is not conserved across species. Based on currently available information, it is unclear whether BMPR1A c.1342+5G>A is pathogenic or benign.

Literature cited by the submitters: PubMed 17576681 (cited by Labcorp Genetics (formerly Invitae), Labcorp); PubMed 9536098 (cited by Labcorp Genetics (formerly Invitae), Labcorp).

NM_004329.3(BMPR1A):c.1342+5G>A

Gene: BMPR1A (bone morphogenetic protein receptor type 1A; plus strand). Cytogenetic location: 10q23.2.
Variant type: single nucleotide variant.
Coding change: c.1342+5G>A on transcript NM_004329.3 (MANE Select); 5 bases into the intron after coding-DNA position 1342, G replaced by A.
Molecular consequence: intron variant.
Genome position (GRCh38, 1-based): chr10:86,921,700, G>A. VCF-style: chr10-86921700-G-A. GRCh37 (hg19) VCF-style: chr10-88681457-G-A.
Identifiers: ClinVar variation 239855 (VCV000239855.15), dbSNP rs878854663, ClinGen allele CA10582750.